The following is an entry in ClinVar:

NM_004329.3(BMPR1A):c.47T>G (p.Phe16Cys)

Gene: BMPR1A (bone morphogenetic protein receptor type 1A; plus strand). Cytogenetic location: 10q23.2.
Variant type: single nucleotide variant.
Coding change: c.47T>G on transcript NM_004329.3 (MANE Select); coding-DNA position 47, T replaced by G.
Protein change: p.Phe16Cys; replaces phenylalanine 16 with cysteine.
Molecular consequence: missense variant.
Genome position (GRCh38, 1-based): chr10:86,876,065, T>G. VCF-style: chr10-86876065-T-G. GRCh37 (hg19) VCF-style: chr10-88635822-T-G.
Other names: p.F16C:TTC>TGC; short protein forms F16C.
Identifiers: ClinVar variation 182063 (VCV000182063.2), dbSNP rs151235720, ClinGen allele CA298502.
Genomic context (GRCh38, chr10:86,876,065, plus strand): 5'-ATTACAATTGAACAATGCCTCAGCTATACATTTACATCAGATTATTGGGAGCCTATTTGT[T>G]CATCATTTCTCGTGTTCAAGGTAAATCAGTGTTCATTTTAGTAATGTATGTGTGTATATA-3'
Protein context (NP_004320.2, residues 6-26): IYIRLLGAYL[Phe16Cys]IISRVQGQNL

ClinVar aggregate classification (germline): Uncertain significance (1 of 4 stars; one submission).

Submission:

GeneDx
Classification: Uncertain significance. Last evaluated: 2014-07-28. Review status: criteria provided, single submitter. Criteria: GeneDx Variant Classification (06012015). Collection method: clinical testing. Allele origin: germline. Affected: yes.
Comment: This variant is denoted BMPR1A c.47T>G at the cDNA level, p.Phe16Cys (F16C) at the protein level, and results in the change of a Phenylalanine to a Cysteine (TTC>TGC). This variant has not, to our knowledge, been published in the literature as pathogenic or benign. BMPR1A Phe16Cys was not observed in approximately 6,500 individuals of European and African American ancestry in the NHLBI Exome Sequencing Project, indicating it is not a common benign variant in these populations. Since Phenylalanine and Cysteine differ in polarity, charge, size or other properties, this is considered a non-conservative amino acid substitution. BMPR1A Phe16Cys occurs at a position that is conserved through mammals and is not located in a known functional domain. In silico analyses are inconsistent regarding the effect this variant may have on protein structure and function. Based on currently available information, it is unclear whether BMPR1A Phe16Cys is pathogenic or benign. We consider it to be a variant of uncertain significance.